The following is an entry in ClinVar:

NM_005633.4(SOS1):c.865-344A>T

Gene: SOS1 (SOS Ras/Rac guanine nucleotide exchange factor 1; minus strand). Cytogenetic location: 2p22.1.
Variant type: single nucleotide variant.
Coding change: c.865-344A>T on transcript NM_005633.4 (MANE Select); 344 bases into the intron before coding-DNA position 865, A replaced by T.
Molecular consequence: intron variant.
Genome position (GRCh38, 1-based): chr2:39,035,844, T>A on the plus strand (A>T on the coding strand, the complement: SOS1 is on the minus strand). VCF-style: chr2-39035844-T-A. GRCh37 (hg19) VCF-style: chr2-39262985-T-A.
Other names: c.844-344A>T (NM_001382394.1); c.865-344A>T (NM_001382395.1).
Identifiers: ClinVar variation 561933 (VCV000561933.1), dbSNP rs116259655, ClinGen allele CA45683969.

ClinVar aggregate classification (germline): Likely benign (1 of 4 stars; one submission).

Allele frequency attached by ClinVar (database versions not stated): 1000 Genomes Project 30x 0.00453; 1000 Genomes Project 0.00539; TOPMed 0.00736.
gnomAD v4.1: 1,291 of 152,258 alleles (0.85%); highest among the groups gnomAD compares: Admixed American, 1.3%; 10 homozygotes.

Submission:

GeneDx
Classification: Likely benign. Last evaluated: 2018-06-18. Review status: criteria provided, single submitter. Criteria: GeneDx Variant Classification (06012015). Collection method: clinical testing. Allele origin: germline. Affected: yes.
Comment: This variant is considered likely benign or benign based on one or more of the following criteria: it is a conservative change, it occurs at a poorly conserved position in the protein, it is predicted to be benign by multiple in silico algorithms, and/or has population frequency not consistent with disease.